The following is an entry in ClinVar:

ClinVar aggregate classification (germline): Uncertain significance (1 of 4 stars; one submission).

Conditions:
Hereditary cancer-predisposing syndrome. Also called: Tumor predisposition; Neoplastic Syndromes, Hereditary; Hereditary neoplastic syndrome; Hereditary Cancer Syndrome. Identifiers: Orphanet 140162, MedGen C0027672, MeSH D009386, MONDO:0015356.

Submission:

Ambry Genetics
Classification: Uncertain significance for Hereditary cancer-predisposing syndrome. Last evaluated: 2024-10-05. Review status: criteria provided, single submitter. Criteria: Ambry Variant Classification Scheme 2023. Collection method: clinical testing. Allele origin: germline.
Comment: The p.P287S variant (also known as c.859C>T), located in coding exon 3 of the BLM gene, results from a C to T substitution at nucleotide position 859. The proline at codon 287 is replaced by serine, an amino acid with similar properties. This amino acid position is conserved. In addition, this alteration is predicted to be tolerated by in silico analysis. Based on the available evidence, the clinical significance of this variant remains unclear.

NM_000057.4(BLM):c.859C>T (p.Pro287Ser)

Gene: BLM (BLM RecQ like helicase; plus strand). Cytogenetic location: 15q26.1.
Variant type: single nucleotide variant.
Coding change: c.859C>T on transcript NM_000057.4 (MANE Select); coding-DNA position 859, C replaced by T.
Protein change: p.Pro287Ser; replaces proline 287 with serine.
Molecular consequence: missense variant. On other transcripts: 5 prime UTR variant (1).
Genome position (GRCh38, 1-based): chr15:90,751,846, C>T. VCF-style: chr15-90751846-C-T. GRCh37 (hg19) VCF-style: chr15-91295076-C-T.
Other names: c.859C>T, p.Pro287Ser (NM_001287246.2, NM_001287247.2); c.-433C>T (NM_001287248.2); short protein forms P287S.
Identifiers: ClinVar variation 3480792 (VCV003480792.1).
Genomic context (GRCh38, chr15:90,751,846, plus strand): 5'-GATAATAGCGAAAAGAAGAAGAATTTGGAAGAAGCTGAATTACATTCAACTGAGAAAGTT[C>T]CATGTATTGAATTTGATGATGATGATTATGATACGGATTTTGTTCCACCTTCTCCAGAAG-3'
Protein context (NP_000048.1, residues 277-297): EAELHSTEKV[Pro287Ser]CIEFDDDDYD